The following is an entry in ClinVar:

NM_002949.4(MRPL12):c.227T>C (p.Leu76Pro)

Gene: MRPL12 (mitochondrial ribosomal protein L12; plus strand). Cytogenetic location: 17q25.3.
Variant type: single nucleotide variant.
Coding change: c.227T>C on transcript NM_002949.4 (MANE Select); coding-DNA position 227, T replaced by C.
Protein change: p.Leu76Pro; replaces leucine 76 with proline.
Molecular consequence: missense variant.
Genome position (GRCh38, 1-based): chr17:81,704,396, T>C. VCF-style: chr17-81704396-T-C. GRCh37 (hg19) VCF-style: chr17-79671426-T-C.
Other names: c.227T>C (NM_002949.3); short protein forms L76P.
Identifiers: ClinVar variation 2419183 (VCV002419183.7), dbSNP rs775257564, ClinGen allele CA8841287.

ClinVar aggregate classification (germline): Uncertain significance. Review status: criteria provided, multiple submitters, no conflicts (2 of 4 stars). 2 submissions from 2 submitters: Uncertain significance (2). Last evaluated 2025-05-15.

Allele frequency attached by ClinVar (database versions not stated): gnomAD 0.00001; ExAC 0.00002; gnomAD exomes 0.00003; TOPMed 0.00003.
gnomAD v4.1: 48 of 1,612,990 alleles (0.003%); highest among the groups gnomAD compares: Non-Finnish European, 0.0038%; no homozygotes.

Submissions (2):

Ambry Genetics
Classification: Uncertain significance. Last evaluated: 2025-05-15. Review status: criteria provided, single submitter. Criteria: Ambry Variant Classification Scheme 2023. Collection method: clinical testing. Allele origin: germline.

Labcorp Genetics (formerly Invitae), Labcorp
Classification: Uncertain significance. Last evaluated: 2025-03-05. Review status: criteria provided, single submitter. Criteria: Invitae Variant Classification Sherloc (09022015). Collection method: clinical testing. Allele origin: germline.
Comment: This sequence change replaces leucine, which is neutral and non-polar, with proline, which is neutral and non-polar, at codon 76 of the MRPL12 protein (p.Leu76Pro). This variant is present in population databases (rs775257564, gnomAD 0.003%). This variant has not been reported in the literature in individuals affected with MRPL12-related conditions. ClinVar contains an entry for this variant (Variation ID: 2419183). An algorithm developed to predict the effect of missense changes on protein structure and function (PolyPhen-2) suggests that this variant is likely to be disruptive. In summary, the available evidence is currently insufficient to determine the role of this variant in disease. Therefore, it has been classified as a Variant of Uncertain Significance.